The following is an entry in ClinVar:

NM_005097.4(LGI1):c.705A>G (p.Gln235=)

Gene: LGI1 (leucine rich glioma inactivated 1; plus strand). Cytogenetic location: 10q23.33.
Variant type: single nucleotide variant.
Coding change: c.705A>G on transcript NM_005097.4 (MANE Select); coding-DNA position 705, A replaced by G.
Protein change: p.Gln235=; no amino-acid change (glutamine 235 retained).
Molecular consequence: synonymous variant. On other transcripts: non-coding transcript variant (1).
Genome position (GRCh38, 1-based): chr10:93,793,217, A>G. VCF-style: chr10-93793217-A-G. GRCh37 (hg19) VCF-style: chr10-95552974-A-G.
Other names: c.705A>G, p.Gln235= (NM_001308275.2); c.561A>G, p.Gln187= (NM_001308276.2).
Identifiers: ClinVar variation 1518765 (VCV001518765.10), dbSNP rs2059951017, ClinGen allele CA470800085.

ClinVar aggregate classification (germline): Likely benign. Review status: criteria provided, multiple submitters, no conflicts (2 of 4 stars). 2 submissions from 2 submitters: Likely benign (2). Last evaluated 2026-04-01.

Conditions:
Autosomal dominant epilepsy with auditory features. Identifiers: Orphanet 101046, MedGen C1838062, MONDO:0010898.

Allele frequency attached by ClinVar (database versions not stated): gnomAD exomes below 0.00001; TOPMed below 0.00001.
gnomAD v4.1: 1 of 1,613,130 alleles (0.000062%); highest among the groups gnomAD compares: Non-Finnish European, 0.000085%; no homozygotes.

Submissions (2):

CeGaT Center for Human Genetics Tuebingen
Classification: Likely benign. Last evaluated: 2026-04-01. Review status: criteria provided, single submitter. Criteria: CeGaT Center For Human Genetics Tuebingen Variant Classification Criteria Version 2. Collection method: clinical testing. Allele origin: germline. Affected: yes. Observed: 1 variant allele.
Comment: LGI1: BP4, BP7

Labcorp Genetics (formerly Invitae), Labcorp
Classification: Likely benign for Autosomal dominant epilepsy with auditory features. Last evaluated: 2022-11-22. Review status: criteria provided, single submitter. Criteria: Invitae Variant Classification Sherloc (09022015). Collection method: clinical testing. Allele origin: germline.